The following is an entry in ClinVar:

ClinVar aggregate classification (germline): Uncertain significance (1 of 4 stars; one submission).

Conditions:
SDCCAG8-related disorder. Also called: SDCCAG8-related condition; SDCCAG8-Related Disorders.

Submission:

PreventionGenetics, part of Exact Sciences
Classification: Uncertain significance for SDCCAG8-related condition. Last evaluated: 2025-03-30. Review status: criteria provided, single submitter. Criteria: ACMG Guidelines, 2015. Collection method: clinical testing. Allele origin: germline.
Comment: The SDCCAG8 c.1523A>T variant is predicted to result in the amino acid substitution p.Glu508Val. To our knowledge, this variant has not been reported in the literature or in a large population database (gnomAD), indicating this variant is rare. At this time, the clinical significance of this variant is uncertain due to the absence of conclusive functional and genetic evidence.

NM_006642.5(SDCCAG8):c.1523A>T (p.Glu508Val)

Gene: SDCCAG8 (SHH signaling and ciliogenesis regulator SDCCAG8; plus strand). Cytogenetic location: 1q43.
Variant type: single nucleotide variant.
Coding change: c.1523A>T on transcript NM_006642.5 (MANE Select); coding-DNA position 1523, A replaced by T.
Protein change: p.Glu508Val; replaces glutamic acid 508 with valine.
Molecular consequence: missense variant.
Genome position (GRCh38, 1-based): chr1:243,378,770, A>T. VCF-style: chr1-243378770-A-T. GRCh37 (hg19) VCF-style: chr1-243542072-A-T.
Other names: c.620A>T, p.Glu207Val (NM_001350246.2, NM_001350247.2, NM_001350251.2); c.1619A>T, p.Glu540Val (NM_001350248.2); c.1229A>T, p.Glu410Val (NM_001350249.2); short protein forms E540V, E207V, E410V, E508V.
Identifiers: ClinVar variation 4998983 (VCV004998983.1).